The following is an entry in ClinVar:

NM_000038.6(APC):c.4152T>C (p.Phe1384=)

Gene: APC (APC regulator of Wnt signaling pathway; plus strand). Cytogenetic location: 5q22.2.
Variant type: single nucleotide variant.
Coding change: c.4152T>C on transcript NM_000038.6 (MANE Select); coding-DNA position 4152, T replaced by C.
Protein change: p.Phe1384=; no amino-acid change (phenylalanine 1384 retained).
Molecular consequence: synonymous variant. On other transcripts: non-coding transcript variant (2).
Genome position (GRCh38, 1-based): chr5:112,839,746, T>C. VCF-style: chr5-112839746-T-C. GRCh37 (hg19) VCF-style: chr5-112175443-T-C.
Other names: c.4152T>C, p.Phe1384= (NM_001127510.3, NM_001354895.2, NM_001407450.1); c.4098T>C, p.Phe1366= (NM_001127511.3); c.4206T>C, p.Phe1402= (NM_001354896.2, NM_001407447.1, NM_001407448.1 and 1 more transcripts); c.4182T>C, p.Phe1394= (NM_001354897.2); c.4077T>C, p.Phe1359= (NM_001354898.2); c.4068T>C, p.Phe1356= (NM_001354899.2); c.4029T>C, p.Phe1343= (NM_001354900.2); c.3975T>C, p.Phe1325= (NM_001354901.2, NM_001407453.1); and 11 more.
Identifiers: ClinVar variation 1738276 (VCV001738276.12), dbSNP rs2149907711, ClinGen allele CA445964162.

ClinVar aggregate classification (germline): Likely benign. Review status: criteria provided, multiple submitters, no conflicts (2 of 4 stars). 3 submissions from 3 submitters: Likely benign (3). Last evaluated 2025-08-01.

Conditions:
Hereditary cancer-predisposing syndrome. Also called: Hereditary neoplastic syndrome; Tumor predisposition; Neoplastic Syndromes, Hereditary; Hereditary Cancer Syndrome. Identifiers: Orphanet 140162, MedGen C0027672, MeSH D009386, MONDO:0015356.

Submissions (3):

CeGaT Center for Human Genetics Tuebingen
Classification: Likely benign. Last evaluated: 2025-08-01. Review status: criteria provided, single submitter. Criteria: CeGaT Center For Human Genetics Tuebingen Variant Classification Criteria Version 2. Collection method: clinical testing. Allele origin: germline. Affected: yes. Observed: 1 variant allele.
Comment: APC: PM2:Supporting, BP4, BP7

Color Diagnostics, LLC DBA Color Health
Classification: Likely benign for Hereditary cancer-predisposing syndrome. Last evaluated: 2023-10-16. Review status: criteria provided, single submitter. Criteria: ACMG Guidelines, 2015. Collection method: clinical testing. Allele origin: germline.

Ambry Genetics
Classification: Likely benign for Hereditary cancer-predisposing syndrome. Last evaluated: 2019-07-18. Review status: criteria provided, single submitter. Criteria: Ambry Variant Classification Scheme 2023. Collection method: clinical testing. Allele origin: germline.